The following is an entry in ClinVar:

NM_198253.3(TERT):c.1615G>A (p.Glu539Lys)

Gene: TERT (telomerase reverse transcriptase; minus strand). Cytogenetic location: 5p15.33.
Variant type: single nucleotide variant.
Coding change: c.1615G>A on transcript NM_198253.3 (MANE Select); coding-DNA position 1615, G replaced by A.
Protein change: p.Glu539Lys; replaces glutamic acid 539 with lysine.
Molecular consequence: missense variant. On other transcripts: non-coding transcript variant (2).
Genome position (GRCh38, 1-based): chr5:1,282,583, C>T on the plus strand (G>A on the coding strand, the complement: TERT is on the minus strand). VCF-style: chr5-1282583-C-T. GRCh37 (hg19) VCF-style: chr5-1282698-C-T.
Other names: c.1615G>A, p.Glu539Lys (NM_001193376.3); short protein forms E539K.
Identifiers: ClinVar variation 568528 (VCV000568528.16), dbSNP rs1203927893, ClinGen allele CA359083447.

ClinVar aggregate classification (germline): Uncertain significance. Review status: criteria provided, multiple submitters, no conflicts (2 of 4 stars). 5 submissions from 5 submitters: Uncertain significance (5). Last evaluated 2026-01-26.

Conditions:
Dyskeratosis congenita. Identifiers: Orphanet 1775, MedGen C0265965, MONDO:0015780.
TERT-related disorder. Also called: TERT-related condition; TERT-related disorders.
Dyskeratosis congenita, autosomal dominant 2. Identifiers: MedGen C3151443, MONDO:0013521, OMIM 613989.
Idiopathic Pulmonary Fibrosis. Also called: Idiopathic fibrosing alveolitis, chronic form; idiopathic fibrosing alveolitis. Identifiers: Orphanet 2032, MedGen C1800706, MeSH D054990, MONDO:0800504.

Allele frequency attached by ClinVar (database versions not stated): gnomAD exomes below 0.00001; gnomAD 0.00001; TOPMed 0.00003.
gnomAD v4.1: 18 of 1,614,010 alleles (0.0011%); highest among the groups gnomAD compares: Non-Finnish European, 0.0014%; no homozygotes.

Submissions (5):

Labcorp Genetics (formerly Invitae), Labcorp
Classification: Uncertain significance for Dyskeratosis congenita, autosomal dominant 2; Idiopathic Pulmonary Fibrosis. Last evaluated: 2026-01-26. Review status: criteria provided, single submitter. Criteria: Invitae Variant Classification Sherloc (09022015). Collection method: clinical testing. Allele origin: germline.
Comment: This sequence change replaces glutamic acid, which is acidic and polar, with lysine, which is basic and polar, at codon 539 of the TERT protein (p.Glu539Lys). This variant is present in population databases (no rsID available, gnomAD 0.0009%). This variant has not been reported in the literature in individuals affected with TERT-related conditions. ClinVar contains an entry for this variant (Variation ID: 568528). Invitae Evidence Modeling of protein sequence and biophysical properties (such as structural, functional, and spatial information, amino acid conservation, physicochemical variation, residue mobility, and thermodynamic stability) indicates that this missense variant is not expected to disrupt TERT protein function with a negative predictive value of 95%. In summary, the available evidence is currently insufficient to determine the role of this variant in disease. Therefore, it has been classified as a Variant of Uncertain Significance.

PreventionGenetics, part of Exact Sciences
Classification: Uncertain significance for TERT-related condition. Last evaluated: 2025-02-24. Review status: criteria provided, single submitter. Criteria: ACMG Guidelines, 2015. Collection method: clinical testing. Allele origin: germline.
Comment: The TERT c.1615G>A variant is predicted to result in the amino acid substitution p.Glu539Lys. To our knowledge, this variant has not been reported in the literature. This variant is reported in 1 of ~251,000 alleles in individuals of European (Non-Finnish) descent in gnomAD and is interpreted as a variant of uncertain significance in ClinVar. At this time, the clinical significance of this variant is uncertain due to the absence of conclusive functional and genetic evidence.

GeneDx
Classification: Uncertain significance. Last evaluated: 2024-06-09. Review status: criteria provided, single submitter. Criteria: GeneDx Variant Classification Process June 2021. Collection method: clinical testing. Allele origin: germline. Affected: yes.
Comment: Not observed at significant frequency in large population cohorts (gnomAD); In silico analysis indicates that this missense variant does not alter protein structure/function; Has not been previously published as pathogenic or benign to our knowledge

Baylor Genetics
Classification: Uncertain significance for Dyskeratosis congenita, autosomal dominant 2. Last evaluated: 2023-06-06. Review status: criteria provided, single submitter. Criteria: ACMG Guidelines, 2015. Collection method: clinical testing. Allele origin: unknown.

Ambry Genetics
Classification: Uncertain significance for Dyskeratosis congenita. Last evaluated: 2022-01-15. Review status: criteria provided, single submitter. Criteria: Ambry Variant Classification Scheme 2023. Collection method: clinical testing. Allele origin: germline.
Comment: The p.E539K variant (also known as c.1615G>A), located in coding exon 3 of the TERT gene, results from a G to A substitution at nucleotide position 1615. The glutamic acid at codon 539 is replaced by lysine, an amino acid with similar properties. This amino acid position is conserved. In addition, this alteration is predicted to be tolerated by in silico analysis. Since supporting evidence is limited at this time, the clinical significance of this alteration remains unclear.